The following is an entry in ClinVar:

NM_000540.3(RYR1):c.12358G>A (p.Glu4120Lys)

Gene: RYR1 (ryanodine receptor 1; plus strand). Cytogenetic location: 19q13.2.
Variant type: single nucleotide variant.
Coding change: c.12358G>A on transcript NM_000540.3 (MANE Select); coding-DNA position 12358, G replaced by A.
Protein change: p.Glu4120Lys; replaces glutamic acid 4120 with lysine.
Molecular consequence: missense variant.
Genome position (GRCh38, 1-based): chr19:38,561,188, G>A. VCF-style: chr19-38561188-G-A. GRCh37 (hg19) VCF-style: chr19-39051828-G-A.
Other names: c.12343G>A, p.Glu4115Lys (NM_001042723.2); short protein forms E4115K, E4120K.
Identifiers: ClinVar variation 1988339 (VCV001988339.6), dbSNP rs1333787732, ClinGen allele CA405668363.
Genomic context (GRCh38, chr19:38,561,188, plus strand): 5'-AAGCAGTTCAGCGGTCCAGAAATCCAGTTCCTGCTTTCGTGCTCCGAAGCGGATGAGAAC[G>A]AAATGATCAACTGCGAAGAGTTCGCCAACCGCTTCCAGGAGCCAGCACGCGACATCGGCT-3'
Protein context (NP_000531.2, residues 4110-4130): LLSCSEADEN[Glu4120Lys]MINCEEFANR

ClinVar aggregate classification (germline): Uncertain significance. Review status: criteria provided, multiple submitters, no conflicts (2 of 4 stars). 3 submissions from 3 submitters: Uncertain significance (3). Last evaluated 2023-04-27.

Conditions:
RYR1-related disorder. Also called: RYR1-related disorders; RYR1-related condition. Identifiers: MedGen CN239331.
Malignant hyperthermia, susceptibility to, 1 (MHS1). Also called: Malignant hyperthermia suceptibility 1; Anesthesia related hyperthermia; Malignant hyperpyrexia; Fulminating hyperpyrexia; Pharmacogenic myopathy; RYR1-Related Malignant Hyperthermia Susceptibility. Identifiers: Orphanet 423, MedGen C2930980, MONDO:0007783, OMIM 145600.

Allele frequency attached by ClinVar (database versions not stated): gnomAD exomes below 0.00001; TOPMed below 0.00001.
gnomAD v4.1: 3 of 1,614,190 alleles (0.00019%); highest among the groups gnomAD compares: Admixed American, 0.0017%; no homozygotes.

Submissions (3):

All of Us Research Program, National Institutes of Health
Classification: Uncertain significance for Malignant hyperthermia, susceptibility to, 1. Last evaluated: 2023-04-27. Review status: criteria provided, single submitter. Criteria: ACMG Guidelines, 2015. Collection method: clinical testing. Allele origin: germline. Inheritance: Autosomal dominant inheritance. Observed: 1 variant allele, 1 heterozygote.
Comment: This study involves interpretation of variants in research participants for the purpose of population health screening. Participant phenotype was not available at the time of variant classification. Additional details can be found in publication PMID: 35346344, PMCID: PMC8962531

Labcorp Genetics (formerly Invitae), Labcorp
Classification: Uncertain significance for RYR1-related disorder. Last evaluated: 2022-07-01. Review status: criteria provided, single submitter. Criteria: Invitae Variant Classification Sherloc (09022015). Collection method: clinical testing. Allele origin: germline.
Comment: In summary, the available evidence is currently insufficient to determine the role of this variant in disease. Therefore, it has been classified as a Variant of Uncertain Significance. Advanced modeling of protein sequence and biophysical properties (such as structural, functional, and spatial information, amino acid conservation, physicochemical variation, residue mobility, and thermodynamic stability) performed at Invitae indicates that this missense variant is not expected to disrupt RYR1 protein function. This variant has not been reported in the literature in individuals affected with RYR1-related conditions. This variant is present in population databases (no rsID available, gnomAD 0.0009%). This sequence change replaces glutamic acid, which is acidic and polar, with lysine, which is basic and polar, at codon 4120 of the RYR1 protein (p.Glu4120Lys).

Breakthrough Genomics
Classification: Uncertain significance. Review status: criteria provided, single submitter. Criteria: ACMG Guidelines, 2015. Collection method: not provided. Allele origin: germline. Inheritance: Autosomal dominant inheritance. Affected: yes.